The following is an entry in ClinVar:

NM_002335.4(LRP5):c.896G>A (p.Cys299Tyr)

Gene: LRP5 (LDL receptor related protein 5; plus strand). Cytogenetic location: 11q13.2.
Variant type: single nucleotide variant.
Coding change: c.896G>A on transcript NM_002335.4 (MANE Select); coding-DNA position 896, G replaced by A.
Protein change: p.Cys299Tyr; replaces cysteine 299 with tyrosine.
Molecular consequence: missense variant. On other transcripts: 5 prime UTR variant (1).
Genome position (GRCh38, 1-based): chr11:68,365,583, G>A. VCF-style: chr11-68365583-G-A. GRCh37 (hg19) VCF-style: chr11-68133051-G-A.
Other names: c.-870G>A (NM_001291902.2); short protein forms C299Y.
Identifiers: ClinVar variation 3634228 (VCV003634228.2).

ClinVar aggregate classification (germline): Uncertain significance (1 of 4 stars; one submission).

Submission:

Labcorp Genetics (formerly Invitae), Labcorp
Classification: Uncertain significance. Last evaluated: 2024-03-01. Review status: criteria provided, single submitter. Criteria: Invitae Variant Classification Sherloc (09022015). Collection method: clinical testing. Allele origin: germline.
Comment: This sequence change replaces cysteine, which is neutral and slightly polar, with tyrosine, which is neutral and polar, at codon 299 of the LRP5 protein (p.Cys299Tyr). This variant is not present in population databases (gnomAD no frequency). This variant has not been reported in the literature in individuals affected with LRP5-related conditions. Advanced modeling of protein sequence and biophysical properties (such as structural, functional, and spatial information, amino acid conservation, physicochemical variation, residue mobility, and thermodynamic stability) performed at Invitae indicates that this missense variant is expected to disrupt LRP5 protein function with a positive predictive value of 95%. In summary, the available evidence is currently insufficient to determine the role of this variant in disease. Therefore, it has been classified as a Variant of Uncertain Significance.